The following is an entry in ClinVar:

ClinVar aggregate classification (germline): Uncertain significance. Review status: criteria provided, multiple submitters, no conflicts (2 of 4 stars). 3 submissions from 3 submitters: Uncertain significance (3). Last evaluated 2024-05-21.

Conditions:
Inborn genetic diseases. Identifiers: MedGen C0950123, MeSH D030342.

Allele frequency attached by ClinVar (database versions not stated): gnomAD exomes 0.00001 and 0.00002; gnomAD 0.00003 and 0.00005; ExAC 0.00004; TOPMed 0.00004.
gnomAD v4.1: 19 of 1,600,428 alleles (0.0012%); highest among the groups gnomAD compares: East Asian, 0.027%; no homozygotes.

Submissions (3):

Blueprint Genetics
Classification: Uncertain significance. Last evaluated: 2024-05-21. Review status: criteria provided, single submitter. Criteria: ACMG Guidelines, 2015. Collection method: clinical testing. Allele origin: germline.

Labcorp Genetics (formerly Invitae), Labcorp
Classification: Uncertain significance. Last evaluated: 2022-10-04. Review status: criteria provided, single submitter. Criteria: Invitae Variant Classification Sherloc (09022015). Collection method: clinical testing. Allele origin: germline.
Comment: This sequence change replaces lysine, which is basic and polar, with arginine, which is basic and polar, at codon 338 of the CEP78 protein (p.Lys338Arg). This variant is present in population databases (rs768400278, gnomAD 0.05%). This variant has not been reported in the literature in individuals affected with CEP78-related conditions. ClinVar contains an entry for this variant (Variation ID: 1492821). Advanced modeling of protein sequence and biophysical properties (such as structural, functional, and spatial information, amino acid conservation, physicochemical variation, residue mobility, and thermodynamic stability) performed at Invitae indicates that this missense variant is not expected to disrupt CEP78 protein function. In summary, the available evidence is currently insufficient to determine the role of this variant in disease. Therefore, it has been classified as a Variant of Uncertain Significance.

Ambry Genetics
Classification: Uncertain significance for Inborn genetic diseases. Last evaluated: 2022-09-07. Review status: criteria provided, single submitter. Criteria: Ambry Variant Classification Scheme 2023. Collection method: clinical testing. Allele origin: germline.

NM_001330691.3(CEP78):c.1013A>G (p.Lys338Arg)

Gene: CEP78 (centrosomal protein 78; plus strand). Cytogenetic location: 9q21.2.
Variant type: single nucleotide variant.
Coding change: c.1013A>G on transcript NM_001330691.3 (MANE Select); coding-DNA position 1013, A replaced by G.
Protein change: p.Lys338Arg; replaces lysine 338 with arginine.
Molecular consequence: missense variant.
Genome position (GRCh38, 1-based): chr9:78,248,817, A>G. VCF-style: chr9-78248817-A-G. GRCh37 (hg19) VCF-style: chr9-80863733-A-G.
Other names: c.1013A>G, p.Lys338Arg (NM_001098802.3, NM_001330693.3, NM_001330694.2 and 4 more transcripts); c.1013A>G (NM_001098802.1); short protein forms K338R.
Identifiers: ClinVar variation 1492821 (VCV001492821.7), dbSNP rs768400278, ClinGen allele CA5095113.